The following is an entry in ClinVar:

NM_003620.4(PPM1D):c.97C>T (p.Pro33Ser)

Gene: PPM1D (protein phosphatase, Mg2+/Mn2+ dependent 1D; plus strand). Cytogenetic location: 17q23.2.
Variant type: single nucleotide variant.
Coding change: c.97C>T on transcript NM_003620.4 (MANE Select); coding-DNA position 97, C replaced by T.
Protein change: p.Pro33Ser; replaces proline 33 with serine.
Molecular consequence: missense variant.
Genome position (GRCh38, 1-based): chr17:60,600,511, C>T. VCF-style: chr17-60600511-C-T. GRCh37 (hg19) VCF-style: chr17-58677872-C-T.
Other names: short protein forms P33S.
Identifiers: ClinVar variation 3726260 (VCV003726260.2).
Genomic context (GRCh38, chr17:60,600,511, plus strand): 5'-TCCGACCAGGGCGGGAGGAAGTACATGGAGGACGTTACTCAAATCGTTGTGGAGCCCGAA[C>T]CGACGGCTGAAGAAAAGCCCTCGCCGCGGCGGTCGCTGTCTCAGCCGTTGCCTCCGCGGC-3'
Protein context (NP_003611.1, residues 23-43): DVTQIVVEPE[Pro33Ser]TAEEKPSPRR

ClinVar aggregate classification (germline): Uncertain significance (1 of 4 stars; one submission).

Submission:

Labcorp Genetics (formerly Invitae), Labcorp
Classification: Uncertain significance. Last evaluated: 2024-11-27. Review status: criteria provided, single submitter. Criteria: Invitae Variant Classification Sherloc (09022015). Collection method: clinical testing. Allele origin: germline.
Comment: This sequence change replaces proline, which is neutral and non-polar, with serine, which is neutral and polar, at codon 33 of the PPM1D protein (p.Pro33Ser). This variant is not present in population databases (gnomAD no frequency). This variant has not been reported in the literature in individuals affected with PPM1D-related conditions. An algorithm developed to predict the effect of missense changes on protein structure and function (PolyPhen-2) suggests that this variant is likely to be tolerated. In summary, the available evidence is currently insufficient to determine the role of this variant in disease. Therefore, it has been classified as a Variant of Uncertain Significance.